The following is an entry in ClinVar:

ClinVar aggregate classification (germline): Likely pathogenic (1 of 4 stars; one submission).

Conditions:
Spermatogenic failure 38. Identifiers: MedGen C5193095, MONDO:0032748, OMIM 618433.

gnomAD v4.1: 17 of 1,614,064 alleles (0.0011%); highest among the groups gnomAD compares: East Asian, 0.0045%; no homozygotes.

Submission:

Juno Genomics, Hangzhou Juno Genomics, Inc
Classification: Likely pathogenic for Spermatogenic failure 38. Review status: criteria provided, single submitter. Criteria: ACMG Guidelines, 2015. Collection method: clinical testing. Allele origin: germline.
Comment: Null variant in a gene where loss of function (LOF) is a known mechanism of disease.;Absent from controls (or at extremely low frequency if recessive) in Genome Aggregation Database.

NM_032131.6(ARMC2):c.1759C>T (p.Arg587Ter)

Gene: ARMC2 (armadillo repeat containing 2; plus strand). Cytogenetic location: 6q21.
Variant type: single nucleotide variant.
Coding change: c.1759C>T on transcript NM_032131.6 (MANE Select); coding-DNA position 1759, C replaced by T.
Protein change: p.Arg587Ter; replaces arginine 587 with a stop codon.
Molecular consequence: nonsense.
Genome position (GRCh38, 1-based): chr6:108,953,195, C>T. VCF-style: chr6-108953195-C-T. GRCh37 (hg19) VCF-style: chr6-109274398-C-T.
Other names: c.1264C>T, p.Arg422Ter (NM_001286609.2); short protein forms R422*, R587*.
Identifiers: ClinVar variation 5006952 (VCV005006952.2).
Genomic context (GRCh38, chr6:108,953,195, plus strand): 5'-CTGTCATTATTCCAGACGTTCCATCAGCTGGATCTGCATTCCCAGAAGCCGGTGGGCCAA[C>T]GAGGCGAGCAGCACAGGGCGCAGAGGCCGCCGTCAGAGGCAGAGGACGTGCTCATCAAGC-3'